The following is an entry in ClinVar:

ClinVar aggregate classification (germline): Uncertain significance (1 of 4 stars; one submission).

Conditions:
Autosomal dominant limb-girdle muscular dystrophy type 1F (LGMDD2). Also called: MUSCULAR DYSTROPHY, LIMB-GIRDLE, AUTOSOMAL DOMINANT 2; Limb-girdle muscular dystrophy, type 1F. Identifiers: Orphanet 55595, MedGen C1842062, MONDO:0012034, OMIM 608423.

Allele frequency attached by ClinVar (database versions not stated): gnomAD exomes 0.00001; ExAC 0.00002.
gnomAD v4.1: 11 of 1,614,186 alleles (0.00068%); highest among the groups gnomAD compares: South Asian, 0.012%; 1 homozygote.

Submission:

Foundation for Research in Genetics and Endocrinology, FRIGE's Institute of Human Genetics
Classification: Uncertain significance for Autosomal dominant limb-girdle muscular dystrophy type 1F. Review status: criteria provided, single submitter. Criteria: ACMG Guidelines, 2015. Collection method: clinical testing. Allele origin: germline. Affected: yes. Observed: 1 heterozygote.
Comment: A heterozygous missense variation in exon 11 of the TNPO3 gene that results in the amino acid substitution of Cysteine for Tyrosine at codon 481 was detected. The p.Tyr481Cys variant has not been reported in the 1000 genomes, gnomAD and our internal database. The in silico predictions# of the variant are benign by PolyPhen-2 (HumDiv), SIFT and LRT. The reference codon is conserved across species. In summary, the variant meets our criteria to be classified as a variant of uncertain significance.

NM_012470.4(TNPO3):c.1359-19A>G

Gene: TNPO3 (transportin 3; minus strand). Cytogenetic location: 7q32.1.
Variant type: single nucleotide variant.
Coding change: c.1359-19A>G on transcript NM_012470.4 (MANE Select); 19 bases into the intron before coding-DNA position 1359, A replaced by G.
Molecular consequence: intron variant. On other transcripts: missense variant (1), non-coding transcript variant (1).
Genome position (GRCh38, 1-based): chr7:128,990,119, T>C on the plus strand (A>G on the coding strand, the complement: TNPO3 is on the minus strand). VCF-style: chr7-128990119-T-C. GRCh37 (hg19) VCF-style: chr7-128630173-T-C.
Other names: p.Try481Cys; c.1442A>G, p.Tyr481Cys (NM_001382216.1); c.1215-19A>G (NM_001382221.1); c.1212-19A>G (NM_001382222.1); c.1251-19A>G (NM_001382219.1); c.1359-19A>G (NM_001382223.1, NM_001191028.3, NM_001382220.1 and 1 more transcripts); c.1440-19A>G (NM_001382217.1); short protein forms Y481C.
Identifiers: ClinVar variation 1723899 (VCV001723899.3), dbSNP rs778466861, ClinGen allele CA4478152.